The following is an entry in ClinVar:

ClinVar aggregate classification (germline): Benign. Review status: criteria provided, multiple submitters, no conflicts (2 of 4 stars). 2 submissions from 2 submitters: Benign (2). Last evaluated 2018-06-14.

Allele frequency attached by ClinVar (database versions not stated): TOPMed 0.50462; gnomAD 0.51268; 1000 Genomes Project 0.50739.
gnomAD v4.1: 583,315 of 1,229,712 alleles (47%); highest among the groups gnomAD compares: African/African-American, 55%; 139,810 homozygotes.

Submissions (2):

GeneDx
Classification: Benign. Last evaluated: 2018-06-14. Review status: criteria provided, single submitter. Criteria: GeneDx Variant Classification (06012015). Collection method: clinical testing. Allele origin: germline. Affected: yes.
Comment: This variant is considered likely benign or benign based on one or more of the following criteria: it is a conservative change, it occurs at a poorly conserved position in the protein, it is predicted to be benign by multiple in silico algorithms, and/or has population frequency not consistent with disease.

Breakthrough Genomics
Classification: Benign. Review status: criteria provided, single submitter. Criteria: ACMG Guidelines, 2015. Collection method: not provided. Allele origin: germline. Inheritance: Autosomal recessive inheritance. Affected: yes.

NM_182943.3(PLOD2):c.1127+50G>T

Gene: PLOD2 (procollagen-lysine,2-oxoglutarate 5-dioxygenase 2; minus strand). Cytogenetic location: 3q24.
Variant type: single nucleotide variant.
Coding change: c.1127+50G>T on transcript NM_182943.3 (MANE Select); 50 bases into the intron after coding-DNA position 1127, G replaced by T.
Molecular consequence: intron variant.
Genome position (GRCh38, 1-based): chr3:146,086,737, C>A on the plus strand (G>T on the coding strand, the complement: PLOD2 is on the minus strand). VCF-style: chr3-146086737-C-A. GRCh37 (hg19) VCF-style: chr3-145804524-C-A.
Other names: c.1127+50G>T (NM_000935.3).
Identifiers: ClinVar variation 674926 (VCV000674926.2), dbSNP rs3804668, ClinGen allele CA2655015.